The following is an entry in ClinVar:

ClinVar aggregate classification (germline): Conflicting classifications of pathogenicity. Review status: criteria provided, conflicting classifications (1 of 4 stars). 2 submissions from 2 submitters: Pathogenic (1); Uncertain significance (1). Last evaluated 2026-01-19.

Conditions:
Dilated cardiomyopathy 1G (CMD1G). Identifiers: Orphanet 154, MedGen C1858763, MONDO:0011400, OMIM 604145.
Autosomal recessive limb-girdle muscular dystrophy type 2J (LGMDR10). Also called: Limb-girdle muscular dystrophy, type 2J; MUSCULAR DYSTROPHY, LIMB-GIRDLE, AUTOSOMAL RECESSIVE 10. Identifiers: Orphanet 140922, MedGen C1837342, MONDO:0012127, OMIM 608807.

Submissions (2):

Labcorp Genetics (formerly Invitae), Labcorp
Classification: Pathogenic for Dilated cardiomyopathy 1G; Autosomal recessive limb-girdle muscular dystrophy type 2J. Last evaluated: 2026-01-19. Review status: criteria provided, single submitter. Criteria: Invitae Variant Classification Sherloc (09022015). Collection method: clinical testing. Allele origin: germline.
Comment: This sequence change creates a premature translational stop signal (p.Glu8828*) in the TTN gene. While this is not anticipated to result in nonsense mediated decay, it is expected to create a truncated TTN protein. This variant is not present in population databases (gnomAD no frequency). This premature translational stop signal has been observed in individual(s) with autosomal recessive TTN-related myopathy (PMID: 29691892). In at least one individual the data is consistent with being in trans (on the opposite chromosome) from a pathogenic variant. ClinVar contains an entry for this variant (Variation ID: 1487538). Algorithms developed to predict the effect of sequence changes on RNA splicing suggest that this variant may disrupt the consensus splice site. This variant is located in the I band of TTN (PMID: 25589632). Truncating variants in this region have been reported in individuals affected with autosomal recessive centronuclear myopathy (PMID: 23975875, internal data). Truncating variants in this region have also been identified in individuals affected with autosomal dominant dilated cardiomyopathy and/or cardio-related conditions (PMID: 27869827, 32964742, internal data). For these reasons, this variant has been classified as Pathogenic.

Revvity Omics, Revvity
Classification: Uncertain significance. Last evaluated: 2020-12-01. Review status: criteria provided, single submitter. Criteria: ACMG Guidelines, 2015. Collection method: clinical testing. Allele origin: germline.

Literature cited by the submitters: PubMed 29691892 (cited by Labcorp Genetics (formerly Invitae), Labcorp); PubMed 25589632 (cited by Labcorp Genetics (formerly Invitae), Labcorp); PubMed 23975875 (cited by Labcorp Genetics (formerly Invitae), Labcorp); PubMed 27869827 (cited by Labcorp Genetics (formerly Invitae), Labcorp); PubMed 32964742 (cited by Labcorp Genetics (formerly Invitae), Labcorp).

NM_001267550.2(TTN):c.26482G>T (p.Glu8828Ter)

Gene: TTN (titin; minus strand). Cytogenetic location: 2q31.2.
Variant type: single nucleotide variant.
Coding change: c.26482G>T on transcript NM_001267550.2 (MANE Select); coding-DNA position 26482, G replaced by T.
Protein change: p.Glu8828Ter; replaces glutamic acid 8828 with a stop codon.
Molecular consequence: nonsense. On other transcripts: intron variant (3).
Genome position (GRCh38, 1-based): chr2:178,714,292, C>A on the plus strand (G>T on the coding strand, the complement: TTN is on the minus strand). VCF-style: chr2-178714292-C-A. GRCh37 (hg19) VCF-style: chr2-179579019-C-A.
Other names: c.25531G>T, p.Glu8511Ter (NM_001256850.1); c.22750G>T, p.Glu7584Ter (NM_133378.4); c.13282+23790G>T (NM_003319.4); c.13858+23790G>T (NM_133437.4); c.13657+23790G>T (NM_133432.3); short protein forms E8511*, E8828*, E7584*.
Identifiers: ClinVar variation 1487538 (VCV001487538.8), dbSNP rs778206438, ClinGen allele CA349469046.
Genomic context (GRCh38, chr2:178,714,292, plus strand): 5'-AAATACAGATCCTGGTGAGTGTGTGCCTTGTATCTGTGATAACATCATCTTTTTACTAAC[C>A]GAGAACGGATAGCGTGGCGAAGCACTCTTGCATCCCAGCATCGTTTTTGATCTGACAAGT-3'